The following is an entry in ClinVar:

ClinVar aggregate classification (germline): Uncertain significance (1 of 4 stars; one submission).

gnomAD v4.1: 1 of 1,613,316 alleles (0.000062%); highest among the groups gnomAD compares: Non-Finnish European, 0.000085%; no homozygotes.

Submission:

GeneDx
Classification: Uncertain significance. Last evaluated: 2023-04-28. Review status: criteria provided, single submitter. Criteria: GeneDx Variant Classification Process June 2021. Collection method: clinical testing. Allele origin: germline. Affected: yes.
Comment: Not observed at significant frequency in large population cohorts (gnomAD); Nonsense variant predicted to result in protein truncation or nonsense mediated decay in a gene or region of a gene for which loss of function is not a well-established mechanism of disease; Has not been previously published as pathogenic or benign to our knowledge

NM_001267550.2(TTN):c.22643G>A (p.Trp7548Ter)

Gene: TTN (titin; minus strand). Cytogenetic location: 2q31.2.
Variant type: single nucleotide variant.
Coding change: c.22643G>A on transcript NM_001267550.2 (MANE Select); coding-DNA position 22643, G replaced by A.
Protein change: p.Trp7548Ter; replaces tryptophan 7548 with a stop codon.
Molecular consequence: nonsense. On other transcripts: intron variant (3).
Genome position (GRCh38, 1-based): chr2:178,722,020, C>T on the plus strand (G>A on the coding strand, the complement: TTN is on the minus strand). VCF-style: chr2-178722020-C-T. GRCh37 (hg19) VCF-style: chr2-179586747-C-T.
Other names: c.21692G>A, p.Trp7231Ter (NM_001256850.1); c.18911G>A, p.Trp6304Ter (NM_133378.4); c.13282+16062G>A (NM_003319.4); c.13858+16062G>A (NM_133437.4); c.13657+16062G>A (NM_133432.3); short protein forms W6304*, W7231*, W7548*.
Identifiers: ClinVar variation 2662754 (VCV002662754.1), dbSNP rs1207359424, ClinGen allele CA349521406.